The following is an entry in ClinVar:

ClinVar aggregate classification (germline): Likely benign (1 of 4 stars; one submission).

Conditions:
INPP5E-related disorder. Also called: INPP5E-related condition.

Submission:

PreventionGenetics, part of Exact Sciences
Classification: Likely benign for INPP5E-related condition. Last evaluated: 2026-05-17. Review status: criteria provided, single submitter. Criteria: ACMG Guidelines, 2015. Collection method: clinical testing. Allele origin: germline.
Comment: This variant is classified as likely benign based on ACMG/AMP sequence variant interpretation guidelines (Richards et al. 2015 PMID: 25741868, with internal and published modifications).

NM_019892.6(INPP5E):c.276G>A (p.Arg92=)

Gene: INPP5E (inositol polyphosphate-5-phosphatase E; minus strand). Cytogenetic location: 9q34.3.
Variant type: single nucleotide variant.
Coding change: c.276G>A on transcript NM_019892.6 (MANE Select); coding-DNA position 276, G replaced by A.
Protein change: p.Arg92=; no amino-acid change (arginine 92 retained).
Molecular consequence: synonymous variant.
Genome position (GRCh38, 1-based): chr9:136,439,144, C>T on the plus strand (G>A on the coding strand, the complement: INPP5E is on the minus strand). VCF-style: chr9-136439144-C-T. GRCh37 (hg19) VCF-style: chr9-139333596-C-T.
Other names: c.276G>A, p.Arg92= (NM_001318502.2).
Identifiers: ClinVar variation 5002479 (VCV005002479.1).
Genomic context (GRCh38, chr9:136,439,144, plus strand): 5'-GGAGGGACTGGTCCCATTCCGGGCTTCCAGGTCCTCCTGGCTGCCTCGAAAACGCCTCCT[C>T]CTCCAGCCCTTGTCGTCCAGGGACAGGGCTCGCTCCAGTCGAGGCCTGGCGGGGGGCCGC-3'
Protein context (NP_063945.2, residues 82-102): RALSLDDKGW[Arg92=]RRRFRGSQED